The following is an entry in ClinVar:

ClinVar aggregate classification (germline): Likely benign. Review status: criteria provided, multiple submitters, no conflicts (2 of 4 stars). 2 submissions from 2 submitters: Likely benign (2). Last evaluated 2025-01-14.

Conditions:
Melanoma, cutaneous malignant, susceptibility to, 3. Also called: Cutaneous malignant melanoma 3. Identifiers: Orphanet 618, MedGen C1836892, MONDO:0012183, OMIM 609048.
Familial melanoma. Also called: Hereditary melanoma; Hereditary cutaneous melanoma. Identifiers: Orphanet 618, MedGen C1512419, MONDO:0018961.

gnomAD v4.1: 1 of 1,606,932 alleles (0.000062%); highest among the groups gnomAD compares: South Asian, 0.0011%; no homozygotes.

Submissions (2):

Labcorp Genetics (formerly Invitae), Labcorp
Classification: Likely benign for Familial melanoma. Last evaluated: 2025-01-14. Review status: criteria provided, single submitter. Criteria: Invitae Variant Classification Sherloc (09022015). Collection method: clinical testing. Allele origin: germline.

Myriad Genetics, Inc.
Classification: Likely benign for Melanoma, cutaneous malignant, susceptibility to, 3. Last evaluated: 2024-09-27. Review status: criteria provided, single submitter. Criteria: Myriad Autosomal Dominant, Autosomal Recessive and X-Linked Classification Criteria (2023). Collection method: clinical testing. Allele origin: unknown.
Comment: This variant is considered likely benign. This variant is intronic and is not expected to impact mRNA splicing.

NM_000075.4(CDK4):c.820-6C>T

Genes: MIR6759 (microRNA 6759; minus strand), TSPAN31 (tetraspanin 31; plus strand), CDK4 (cyclin dependent kinase 4; minus strand). Cytogenetic location: 12q14.1.
Variant type: single nucleotide variant.
Coding change: c.820-6C>T on transcript NM_000075.4 (MANE Select); 6 bases into the intron before coding-DNA position 820, C replaced by T.
Molecular consequence: intron variant. On other transcripts: non-coding transcript variant (1), 3 prime UTR variant (3).
Genome position (GRCh38, 1-based): chr12:57,748,623, G>A on the plus strand (C>T on the coding strand, the complement: CDK4 is on the minus strand). VCF-style: chr12-57748623-G-A. GRCh37 (hg19) VCF-style: chr12-58142406-G-A.
Other names: c.*1333G>A (NM_001330168.2, NM_001330169.2, NM_005981.5).
Identifiers: ClinVar variation 3379296 (VCV003379296.3).
Genomic context (GRCh38, chr12:57,748,623, plus strand): 5'-GCTGCAGAGCTCGAAAGGCAGAGATTCGCTTGTGTGGGTTAAAAGTCAGCATTTCCTGAG[G>A]GGAGAGGCAAAGGTCAGAAAACCATGAAGAAAACAGACTTCTGCCCACCCACAACAATAC-3'